The following is an entry in ClinVar:

NM_014017.4(LAMTOR2):c.*23C>A

Gene: LAMTOR2 (late endosomal/lysosomal adaptor, MAPK and MTOR activator 2; plus strand). Cytogenetic location: 1q22.
Variant type: single nucleotide variant.
Coding change: c.*23C>A on transcript NM_014017.4 (MANE Select); 23 bases downstream of the stop codon, C replaced by A.
Molecular consequence: 3 prime UTR variant.
Genome position (GRCh38, 1-based): chr1:156,058,394, C>A. VCF-style: chr1-156058394-C-A. GRCh37 (hg19) VCF-style: chr1-156028185-C-A.
Other names: IVS4DS, C-A, +23, 3-PRIME UTR; c.*23C>A (NM_001145264.2).
Identifiers: ClinVar variation 1239 (VCV000001239.7), dbSNP rs1306489180, ClinGen allele CA526460599.

ClinVar aggregate classification (germline): Uncertain significance. Review status: criteria provided, single submitter (1 of 4 stars). 2 submissions from 2 submitters: Uncertain significance (1). 1 of the submissions does not count toward it. Last evaluated 2022-10-09.

Conditions:
Primary immunodeficiency syndrome due to p14 deficiency. Identifiers: Orphanet 90023, MedGen C1835829, MONDO:0012559, OMIM 610798.

Allele frequency attached by ClinVar (database versions not stated): gnomAD exomes below 0.00001; TOPMed below 0.00001; gnomAD 0.00001.

Submissions (2):

Labcorp Genetics (formerly Invitae), Labcorp
Classification: Uncertain significance. Last evaluated: 2022-10-09. Review status: criteria provided, single submitter. Criteria: Invitae Variant Classification Sherloc (09022015). Collection method: clinical testing. Allele origin: germline.
Comment: In summary, the available evidence is currently insufficient to determine the role of this variant in disease. Therefore, it has been classified as a Variant of Uncertain Significance. Experimental studies have shown that this variant affects LAMTOR2 function (PMID: 17195838). Algorithms developed to predict the effect of variants on protein structure and function are not available or were not evaluated for this variant. ClinVar contains an entry for this variant (Variation ID: 1239). This variant has been observed in individual(s) with immunodeficiency (PMID: 17195838). This variant is present in population databases (no rsID available, gnomAD 0.002%). This variant occurs in a non-coding region of the LAMTOR2 gene. It does not change the encoded amino acid sequence of the LAMTOR2 protein.

OMIM
Classification: Pathogenic for IMMUNODEFICIENCY DUE TO DEFECT IN MAPBP-INTERACTING PROTEIN. Last evaluated: 2007-01-01. Review status: no assertion criteria provided. Collection method: literature only. Allele origin: germline. Not counted in ClinVar's aggregate classification.

Literature cited by the submitters: PubMed 17195838 (cited by Labcorp Genetics (formerly Invitae), Labcorp and OMIM); PubMed 22968171 (cited by OMIM).